The following is an entry in ClinVar:

NM_004168.4(SDHA):c.809A>T (p.His270Leu)

Gene: SDHA (succinate dehydrogenase complex flavoprotein subunit A; plus strand). Cytogenetic location: 5p15.33.
Variant type: single nucleotide variant.
Coding change: c.809A>T on transcript NM_004168.4 (MANE Select); coding-DNA position 809, A replaced by T.
Protein change: p.His270Leu; replaces histidine 270 with leucine.
Molecular consequence: missense variant.
Genome position (GRCh38, 1-based): chr5:230,914, A>T. VCF-style: chr5-230914-A-T. GRCh37 (hg19) VCF-style: chr5-231029-A-T.
Other names: c.809A>T (NM_004168.2); c.665A>T, p.His222Leu (NM_001294332.2); c.809A>T, p.His270Leu (NM_001330758.2); short protein forms H222L, H270L.
Identifiers: ClinVar variation 839818 (VCV000839818.13), dbSNP rs1381228775, ClinGen allele CA359011642.

ClinVar aggregate classification (germline): Uncertain significance. Review status: criteria provided, multiple submitters, no conflicts (2 of 4 stars). 5 submissions from 5 submitters: Uncertain significance (5). Last evaluated 2025-06-09.

Conditions:
Hereditary cancer-predisposing syndrome. Also called: Tumor predisposition; Hereditary neoplastic syndrome; Neoplastic Syndromes, Hereditary; Hereditary Cancer Syndrome. Identifiers: Orphanet 140162, MedGen C0027672, MeSH D009386, MONDO:0015356.
Dilated cardiomyopathy 1GG (CMD1GG). Identifiers: Orphanet 154, MedGen C3150898, MONDO:0013339, OMIM 613642.
Pheochromocytoma/paraganglioma syndrome 5. Also called: Paragangliomas 5; SDHA-Related Hereditary Paraganglioma-Pheochromocytoma Syndrome. Identifiers: Orphanet 29072, MedGen C3279992, MONDO:0013602, OMIM 614165.
Mitochondrial complex II deficiency, nuclear type 1. Also called: SUCCINATE CoQ REDUCTASE DEFICIENCY. Identifiers: Orphanet 3208, MedGen C5700310, MONDO:0100294, OMIM 252011.
Neurodegeneration with ataxia and late-onset optic atrophy. Identifiers: MedGen C5543254, MONDO:0031006, OMIM 619259.

Allele frequency attached by ClinVar (database versions not stated): gnomAD 0.00002; TOPMed 0.00002.
gnomAD v4.1: 4 of 1,614,000 alleles (0.00025%); highest among the groups gnomAD compares: African/African-American, 0.0053%; no homozygotes.

Submissions (5):

Quest Diagnostics Nichols Institute San Juan Capistrano
Classification: Uncertain significance. Last evaluated: 2025-06-09. Review status: criteria provided, single submitter. Criteria: Quest Diagnostics criteria. Collection method: clinical testing. Allele origin: unknown.
Comment: The SDHA c.809A>T (p.His270Leu) variant has not been reported in individuals with SDHA-related conditions in the published literature. The frequency of this variant in the general population (Genome Aggregation Database) is uninformative in the assessment of its pathogenicity. Analysis of this variant using bioinformatics tools for the prediction of the effect of amino acid changes on protein structure and function yielded conflicting predictions that this variant is deleterious or benign. Based on the available information, we are unable to determine the clinical significance of this variant.

Labcorp Genetics (formerly Invitae), Labcorp
Classification: Uncertain significance for Pheochromocytoma/paraganglioma syndrome 5; Mitochondrial complex II deficiency, nuclear type 1. Last evaluated: 2025-05-22. Review status: criteria provided, single submitter. Criteria: Invitae Variant Classification Sherloc (09022015). Collection method: clinical testing. Allele origin: germline.
Comment: This sequence change replaces histidine, which is basic and polar, with leucine, which is neutral and non-polar, at codon 270 of the SDHA protein (p.His270Leu). This variant is not present in population databases (gnomAD no frequency). This variant has not been reported in the literature in individuals affected with SDHA-related conditions. ClinVar contains an entry for this variant (Variation ID: 839818). Invitae Evidence Modeling of protein sequence and biophysical properties (such as structural, functional, and spatial information, amino acid conservation, physicochemical variation, residue mobility, and thermodynamic stability) has been performed for this missense variant. However, the output from this modeling did not meet the statistical confidence thresholds required to predict the impact of this variant on SDHA protein function. In summary, the available evidence is currently insufficient to determine the role of this variant in disease. Therefore, it has been classified as a Variant of Uncertain Significance.

Ambry Genetics
Classification: Uncertain significance for Hereditary cancer-predisposing syndrome. Last evaluated: 2025-04-01. Review status: criteria provided, single submitter. Criteria: Ambry Variant Classification Scheme 2023. Collection method: clinical testing. Allele origin: germline.
Comment: The p.H270L variant (also known as c.809A>T), located in coding exon 7 of the SDHA gene, results from an A to T substitution at nucleotide position 809. The histidine at codon 270 is replaced by leucine, an amino acid with similar properties. This amino acid position is conserved. In addition, this alteration is predicted to be deleterious by in silico analysis. Since supporting evidence is limited at this time, the clinical significance of this alteration remains unclear.

Baylor Genetics
Classification: Uncertain significance for Dilated cardiomyopathy 1GG. Last evaluated: 2024-03-19. Review status: criteria provided, single submitter. Criteria: ACMG Guidelines, 2015. Collection method: clinical testing. Allele origin: unknown.

Fulgent Genetics
Classification: Uncertain significance for Mitochondrial complex II deficiency, nuclear type 1; Dilated cardiomyopathy 1GG; Pheochromocytoma/paraganglioma syndrome 5; Neurodegeneration with ataxia and late-onset optic atrophy. Last evaluated: 2021-09-30. Review status: criteria provided, single submitter. Criteria: ACMG Guidelines, 2015. Collection method: clinical testing. Allele origin: unknown.